The following is an entry in ClinVar:

NM_201384.3(PLEC):c.10103A>G (p.Lys3368Arg)

Gene: PLEC (plectin; minus strand). Cytogenetic location: 8q24.3.
Variant type: single nucleotide variant.
Coding change: c.10103A>G on transcript NM_201384.3 (MANE Select); coding-DNA position 10103, A replaced by G.
Protein change: p.Lys3368Arg; replaces lysine 3368 with arginine.
Molecular consequence: missense variant.
Genome position (GRCh38, 1-based): chr8:143,919,718, T>C on the plus strand (A>G on the coding strand, the complement: PLEC is on the minus strand). VCF-style: chr8-143919718-T-C. GRCh37 (hg19) VCF-style: chr8-144993886-T-C.
Other names: c.6803A>G, p.Lys2268Arg (NM_001410941.1); c.10061A>G, p.Lys3354Arg (NM_201378.4); c.10184A>G, p.Lys3395Arg (NM_000445.5); c.10103A>G, p.Lys3368Arg (NM_201382.4); c.10115A>G, p.Lys3372Arg (NM_201383.3); c.10037A>G, p.Lys3346Arg (NM_201379.3); c.10514A>G, p.Lys3505Arg (NM_201380.4); c.10007A>G, p.Lys3336Arg (NM_201381.3); short protein forms K2268R, K3336R, K3346R, K3354R, K3368R, K3372R, K3395R, K3505R.
Identifiers: ClinVar variation 3761206 (VCV003761206.2).
Genomic context (GRCh38, chr8:143,919,718, plus strand): 5'-AGGAGCGCAGCCGTTGTGGCTCTCAGCAGGCCCCGGCGCATGGCCTCGTAGATGGACACC[T>C]TCTCCTTGGTGTCCTCCAGGTAGATGCCGGCGAGGCAGCCACTGCCCTGCAGCAGCGTCC-3'
Protein context (NP_958786.1, residues 3358-3378): AGIYLEDTKE[Lys3368Arg]VSIYEAMRRG

ClinVar aggregate classification (germline): Uncertain significance (1 of 4 stars; one submission).

Conditions:
Epidermolysis bullosa simplex with nail dystrophy (EBS5D). Identifiers: MedGen C4225309, MONDO:0014661, OMIM 616487.
Epidermolysis bullosa simplex, Ogna type (EBS5A). Also called: EPIDERMOLYSIS BULLOSA SIMPLEX 5A, OGNA TYPE; Pidermolysis bullosa simplex 5A, Ogna type. Identifiers: Orphanet 79401, MedGen C0432317, MONDO:0007555, OMIM 131950.
Autosomal recessive limb-girdle muscular dystrophy type 2Q (LGMDR17). Also called: MUSCULAR DYSTROPHY, LIMB-GIRDLE, AUTOSOMAL RECESSIVE 17. Identifiers: Orphanet 254361, MedGen C3150989, MONDO:0013390, OMIM 613723.
Epidermolysis bullosa simplex 5B, with muscular dystrophy (EBS5B). Also called: EPIDERMOLYSIS BULLOSA SIMPLEX AND LIMB-GIRDLE MUSCULAR DYSTROPHY; Epidermolysis bullosa simplex with muscular dystrophy. Identifiers: Orphanet 257, MedGen C2931072, MONDO:0009181, OMIM 226670.
Epidermolysis bullosa simplex 5C, with pyloric atresia (EBS5C). Also called: PLEC1-Related Epidermolysis Bullosa with Pyloric Atresia; PLEC-Related Epidermolysis Bullosa with Pyloric Atresia; Epidermolysis bullosa simplex with pyloric atresia. Identifiers: Orphanet 158684, MedGen C2677349, MONDO:0012807, OMIM 612138.

gnomAD v4.1: 4 of 1,606,100 alleles (0.00025%); highest among the groups gnomAD compares: South Asian, 0.0011%; no homozygotes.

Submission:

Labcorp Genetics (formerly Invitae), Labcorp
Classification: Uncertain significance for Autosomal recessive limb-girdle muscular dystrophy type 2Q; Epidermolysis bullosa simplex, Ogna type; Epidermolysis bullosa simplex with nail dystrophy; Epidermolysis bullosa simplex 5C, with pyloric atresia; Epidermolysis bullosa simplex 5B, with muscular dystrophy. Last evaluated: 2024-08-12. Review status: criteria provided, single submitter. Criteria: Invitae Variant Classification Sherloc (09022015). Collection method: clinical testing. Allele origin: germline.
Comment: This sequence change replaces lysine, which is basic and polar, with arginine, which is basic and polar, at codon 3395 of the PLEC protein (p.Lys3395Arg). This variant is not present in population databases (gnomAD no frequency). This variant has not been reported in the literature in individuals affected with PLEC-related conditions. Advanced modeling of protein sequence and biophysical properties (such as structural, functional, and spatial information, amino acid conservation, physicochemical variation, residue mobility, and thermodynamic stability) performed at Invitae indicates that this missense variant is expected to disrupt PLEC protein function with a positive predictive value of 80%. In summary, the available evidence is currently insufficient to determine the role of this variant in disease. Therefore, it has been classified as a Variant of Uncertain Significance.